The following is an entry in ClinVar:

NM_000038.6(APC):c.4885C>T (p.His1629Tyr)

Gene: APC (APC regulator of Wnt signaling pathway; plus strand). Cytogenetic location: 5q22.2.
Variant type: single nucleotide variant.
Coding change: c.4885C>T on transcript NM_000038.6 (MANE Select); coding-DNA position 4885, C replaced by T.
Protein change: p.His1629Tyr; replaces histidine 1629 with tyrosine.
Molecular consequence: missense variant. On other transcripts: non-coding transcript variant (2).
Genome position (GRCh38, 1-based): chr5:112,840,479, C>T. VCF-style: chr5-112840479-C-T. GRCh37 (hg19) VCF-style: chr5-112176176-C-T.
Other names: c.4885C>T, p.His1629Tyr (NM_001127510.3, NM_001354895.2, NM_001407450.1); c.4831C>T, p.His1611Tyr (NM_001127511.3); c.4939C>T, p.His1647Tyr (NM_001354896.2, NM_001407447.1, NM_001407448.1 and 1 more transcripts); c.4915C>T, p.His1639Tyr (NM_001354897.2); c.4810C>T, p.His1604Tyr (NM_001354898.2); c.4801C>T, p.His1601Tyr (NM_001354899.2); c.4762C>T, p.His1588Tyr (NM_001354900.2); c.4708C>T, p.His1570Tyr (NM_001354901.2, NM_001407453.1); and 11 more; short protein forms H1346Y, H1500Y, H1538Y, H1570Y, H1619Y, H1622Y, H1639Y, H1528Y.
Identifiers: ClinVar variation 3019740 (VCV003019740.3), dbSNP rs765849654, ClinGen allele CA16032037.

ClinVar aggregate classification (germline): Uncertain significance (1 of 4 stars; one submission).

Conditions:
Familial adenomatous polyposis 1 (FAP1). Also called: FAMILIAL ADENOMATOUS POLYPOSIS 1, ATTENUATED; POLYPOSIS, ADENOMATOUS INTESTINAL. Identifiers: MedGen C2713442, MONDO:0021056, OMIM 175100. Disease mechanism: loss of function.

Submission:

Labcorp Genetics (formerly Invitae), Labcorp
Classification: Uncertain significance for Familial adenomatous polyposis 1. Last evaluated: 2023-01-01. Review status: criteria provided, single submitter. Criteria: Invitae Variant Classification Sherloc (09022015). Collection method: clinical testing. Allele origin: germline.
Comment: This sequence change replaces histidine, which is basic and polar, with tyrosine, which is neutral and polar, at codon 1629 of the APC protein (p.His1629Tyr). In summary, the available evidence is currently insufficient to determine the role of this variant in disease. Therefore, it has been classified as a Variant of Uncertain Significance. Advanced modeling of protein sequence and biophysical properties (such as structural, functional, and spatial information, amino acid conservation, physicochemical variation, residue mobility, and thermodynamic stability) performed at Invitae indicates that this missense variant is not expected to disrupt APC protein function. This variant has not been reported in the literature in individuals affected with APC-related conditions. This variant is not present in population databases (gnomAD no frequency).